The following is an entry in ClinVar:

NM_001267550.2(TTN):c.13227C>T (p.Ser4409=)

Gene: TTN (titin; minus strand). Cytogenetic location: 2q31.2.
Variant type: single nucleotide variant.
Coding change: c.13227C>T on transcript NM_001267550.2 (MANE Select); coding-DNA position 13227, C replaced by T.
Protein change: p.Ser4409=; no amino-acid change (serine 4409 retained).
Molecular consequence: synonymous variant. On other transcripts: intron variant (1).
Genome position (GRCh38, 1-based): chr2:178,740,006, G>A on the plus strand (C>T on the coding strand, the complement: TTN is on the minus strand). VCF-style: chr2-178740006-G-A. GRCh37 (hg19) VCF-style: chr2-179604733-G-A.
Other names: c.12276C>T, p.Ser4092= (NM_001256850.1); c.12138C>T, p.Ser4046= (NM_003319.4); c.12513C>T, p.Ser4171= (NM_133432.3); c.12714C>T, p.Ser4238= (NM_133437.4); c.10361-1646C>T (NM_133378.4).
Identifiers: ClinVar variation 512640 (VCV000512640.7), dbSNP rs571473566, ClinGen allele CA2002609.
Genomic context (GRCh38, chr2:178,740,006, plus strand): 5'-AGCCTCGACCTCCACCTTTTCAATATTTCTTAGCCACTCAGAGAAAAGACCTGGCTGCTC[G>A]CTGGCCACGGCTGCTTGCAAAGCCCGGCAGATTTGAATTTTCAGGTTTAATCTCTGCTCT-3'
Protein context (NP_001254479.2, residues 4399-4419): ICRALQAAVA[Ser4409=]EQPGLFSEWL

ClinVar aggregate classification (germline): Likely benign. Review status: criteria provided, multiple submitters, no conflicts (2 of 4 stars). 3 submissions from 3 submitters: Likely benign (2). 1 of the submissions does not count toward it. Last evaluated 2023-12-01.

Conditions:
TTN-related disorder. Also called: TTN-related condition; TTN-related disease; TTN-related disorders.
Cardiovascular phenotype. Identifiers: MedGen CN230736.

Allele frequency attached by ClinVar (database versions not stated): TOPMed 0.00005; gnomAD 0.00007; 1000 Genomes Project 0.00020; 1000 Genomes Project 30x 0.00031.
gnomAD v4.1: 23 of 1,613,806 alleles (0.0014%); highest among the groups gnomAD compares: African/African-American, 0.021%; no homozygotes.

Submissions (3):

Ambry Genetics
Classification: Likely benign for Cardiovascular phenotype. Last evaluated: 2023-12-01. Review status: criteria provided, single submitter. Criteria: Ambry Variant Classification Scheme 2023. Collection method: clinical testing. Allele origin: germline.

GeneDx
Classification: Likely benign. Last evaluated: 2020-01-16. Review status: criteria provided, single submitter. Criteria: GeneDx Variant Classification Process June 2021. Collection method: clinical testing. Allele origin: germline. Affected: yes.

PreventionGenetics, part of Exact Sciences
Classification: Likely benign for TTN-related condition. Last evaluated: 2023-06-01. Review status: no assertion criteria provided. Collection method: clinical testing. Allele origin: germline. Not counted in ClinVar's aggregate classification.
Comment: This variant is classified as likely benign based on ACMG/AMP sequence variant interpretation guidelines (Richards et al. 2015 PMID: 25741868, with internal and published modifications).